The following is an entry in ClinVar:

NM_002458.3(MUC5B):c.16593+15G>C

Gene: MUC5B (mucin 5B, oligomeric mucus/gel-forming; plus strand). Cytogenetic location: 11p15.5.
Variant type: single nucleotide variant.
Coding change: c.16593+15G>C on transcript NM_002458.3 (MANE Select); 15 bases into the intron after coding-DNA position 16593, G replaced by C.
Molecular consequence: intron variant.
Genome position (GRCh38, 1-based): chr11:1,258,382, G>C. VCF-style: chr11-1258382-G-C. GRCh37 (hg19) VCF-style: chr11-1279612-G-C.
Identifiers: ClinVar variation 226736 (VCV000226736.5), dbSNP rs56025628, ClinGen allele CA5809475.
Genomic context (GRCh38, chr11:1,258,382, plus strand): 5'-CCTTCCAGGACCTCAGCTGTGTTCGTACAATGGCACCTTCTACGGGGTAAGGGCACAGCA[G>C]TGGGTGGGTGTGGCCCTGGGGCCTGAACATGTGTGTGGGATGCCCCGGGGCTCTCTGAGC-3'

ClinVar aggregate classification (germline): Benign. Review status: criteria provided, multiple submitters, no conflicts (2 of 4 stars). 2 submissions from 2 submitters: Benign (2). Last evaluated 2015-04-13.

Allele frequency attached by ClinVar (database versions not stated): ESP Exome Variant Server 0.02654; 1000 Genomes Project 30x 0.01437; gnomAD exomes 0.03008 and 0.02601; gnomAD 0.02515 and 0.02602; ExAC 0.02827; 1000 Genomes Project 0.01478; TOPMed 0.01985.
gnomAD v4.1: 47,520 of 1,611,084 alleles (2.9%); highest among the groups gnomAD compares: Non-Finnish European, 3.3%; 892 homozygotes.

Submissions (2):

Laboratory for Molecular Medicine, Mass General Brigham Personalized Medicine
Classification: Benign. Last evaluated: 2015-04-13. Review status: criteria provided, single submitter. Criteria: LMM Criteria. Collection method: clinical testing. Allele origin: germline. Observed: 5 variant alleles.
Comment: c.16593+15G>C in 43 of MUC5B: This variant is not expected to have clinical sign ificance because it has been identified in 4% (2330/62894) of European chromosom es by the Exome Aggregation Consortium (ExAC; db SNP rs56025628).

Breakthrough Genomics
Classification: Benign. Review status: criteria provided, single submitter. Criteria: ACMG Guidelines, 2015. Collection method: not provided. Allele origin: germline. Inheritance: Autosomal dominant inheritance. Affected: yes.